The following is an entry in ClinVar:

NM_006031.6(PCNT):c.3798C>T (p.Ala1266=)

Gene: PCNT (pericentrin; plus strand). Cytogenetic location: 21q22.3.
Variant type: single nucleotide variant.
Coding change: c.3798C>T on transcript NM_006031.6 (MANE Select); coding-DNA position 3798, C replaced by T.
Protein change: p.Ala1266=; no amino-acid change (alanine 1266 retained).
Molecular consequence: synonymous variant.
Genome position (GRCh38, 1-based): chr21:46,389,389, C>T. VCF-style: chr21-46389389-C-T. GRCh37 (hg19) VCF-style: chr21-47809304-C-T.
Other names: c.3444C>T, p.Ala1148= (NM_001315529.2).
Identifiers: ClinVar variation 380992 (VCV000380992.4), dbSNP rs769080650, ClinGen allele CA10079444.

ClinVar aggregate classification (germline): Likely benign. Review status: criteria provided, multiple submitters, no conflicts (2 of 4 stars). 2 submissions from 2 submitters: Likely benign (2). Last evaluated 2023-08-30.

Allele frequency attached by ClinVar (database versions not stated): gnomAD 0.00001; TOPMed 0.00001; ExAC 0.00002; gnomAD exomes 0.00002.
gnomAD v4.1: 23 of 1,614,022 alleles (0.0014%); highest among the groups gnomAD compares: Non-Finnish European, 0.0017%; no homozygotes.

Submissions (2):

Labcorp Genetics (formerly Invitae), Labcorp
Classification: Likely benign. Last evaluated: 2023-08-30. Review status: criteria provided, single submitter. Criteria: Invitae Variant Classification Sherloc (09022015). Collection method: clinical testing. Allele origin: germline.

GeneDx
Classification: Likely benign. Last evaluated: 2015-10-15. Review status: criteria provided, single submitter. Criteria: GeneDx Variant Classification (06012015). Collection method: clinical testing. Allele origin: germline. Affected: yes.
Comment: This variant is considered likely benign or benign based on one or more of the following criteria: it is a conservative change, it occurs at a poorly conserved position in the protein, it is predicted to be benign by multiple in silico algorithms, and/or has population frequency not consistent with disease.